The following continues an entry in ClinVar:

NM_006005.3(WFS1):c.1672C>T (p.Arg558Cys)

Gene: WFS1. ClinVar aggregate classification (germline): Pathogenic/Likely pathogenic. Pathogenic (8); Likely pathogenic (11).

Submissions 8 to 19 of 23:

ARUP Laboratories, Molecular Genetics and Genomics, ARUP Laboratories
Classification: Likely pathogenic. Last evaluated: 2025-01-27. Review status: criteria provided, single submitter. Criteria: ARUP Molecular Germline Variant Investigation Process 2024. Collection method: clinical testing. Allele origin: germline.
Comment: The WFS1 c.1672C>T; p.Arg558Cys variant (rs199946797, ClinVar Variation ID: 198835) is reported in the literature in the compound heterozygous or homozygous state in several individuals affected with Wolfram syndrome, although this variant is often associated with a mild or atypical, later-onset form of disease (Astuti 2017, Bansal 2018, Cano 2007, Chaussenot 2015, Grenier 2016, Hayman 2024, Lempel 2024, Pan 2019, Tsoi 2024, Ustaoglu 2020, Wilf-Yarkoni 2021, Zhang 2022). This variant is found in the general population with an overall allele frequency of 0.063% (177/281960 alleles) and may be a founder variant in the Ashkenazi Jewish population with an allele frequency of 1.34% (139/10366 alleles, including a single homozygote) in the Genome Aggregation Database (v2.1.1). In addition, an Ashkenazi Jewish exome cohort found this variant with a carrier frequency of 1/67 (Einhorn 2023). Computational analyses predict that this variant is deleterious (REVEL: 0.816). Additionally, another variant at this codon (c.1673G>A; p.Arg558His) has been reported in individuals with Wolfram syndrome and is considered pathogenic (Grenier 2016, Zhang 2022). Based on available information, the p.Arg558Cys variant is considered to be likely pathogenic. References: Astuti D et al. Monogenic diabetes syndromes: Locus-specific databases for Alstrom, Wolfram, and Thiamine-responsive megaloblastic anemia. Hum Mutat. 2017 Jul;38(7):764-777. PMID: 28432734. Bansal V et al. Identification of a missense variant in the WFS1 gene that causes a mild form of Wolfram syndrome and is associated with risk for type 2 diabetes in Ashkenazi Jewish individuals. Diabetologia. 2018 Oct;61(10):2180-2188. PMID: 30014265. Cano et al. Identification of novel mutations in WFS1 and genotype-phenotype correlation in Wolfram syndrome. Am J Med Genet A. 2007 Jul 15;143A(14):1605-12. PMID: 17568405. Chaussenot et al. Mutation update and uncommon phenotypes in a French cohort of 96 patients with WFS1-related disorders. Clin Genet. 2015 May;87(5):430-9. PMID: 24890733. Einhorn Y et al. Community data-driven approach to identify pathogenic founder variants for pan-ethnic carrier screening panels. Hum Genomics. 2023 Mar 28;17(1):30. PMID: 36978159. Grenier J et al. WFS1 in Optic Neuropathies: Mutation Findings in Nonsyndromic Optic Atrophy and Assessment of Clinical Severity. Ophthalmology. 2016 Sep;123(9):1989-98. PMID: 27395765. Hayman T et al. Whole exome sequencing of 491 individuals with inherited retinal diseases reveals a large spectrum of variants and identification of novel candidate genes. J Med Genet. 2024 Feb 21;61(3):224-231. PMID: 37798099. Lempel N et al. The yield of genetic workup for middle-aged and elderly patients with neurological disorders in a real-world setting. J Neurol Sci. 2024 Aug 15;463:123074. PMID: 38968664. Pan YD et al. Compound heterozygous mutations in WFS1 cause atypical Wolfram syndrome. Chin Med J (Engl). 2019 Oct 20;132(20):2508-2509. PMID: 31567480. Tsoi STF et al. Monogenic diabetes in a Chinese population with young-onset diabetes: A 17-year prospective follow-up study in Hong Kong. Diabetes Metab Res Rev. 2024 Jul;40(5):e3823. PMID: 38821874. Ustaoglu M et al. Ophthalmic, systemic, and genetic characteristics of patients with Wolfram syndrome. Eur J Ophthalmol. 2020 Sep;30(5):1099-1105. PMID: 30957632. Wilf-Yarkoni A et al. Mild Phenotype of Wolfram Syndrome Associated With a Common Pathogenic Variant Is Predicted by a Structural Model of Wolframin. Neurol Genet. 2021 Mar 19;7(2):e578. PMID: 33763535. Zhang X et al. Comprehensive Genetic Analysis Unraveled the Missing Heritability in a Chinese Cohort With Wolfram Syndrome 1: Clinical and Genetic Findings. Invest Ophthalmol Vis Sci. 2022 Sep 1;63(10):9. PMID: 36098976.

Blueprint Genetics
Classification: Pathogenic for WFS1-related disorders. Last evaluated: 2024-11-04. Review status: criteria provided, single submitter. Criteria: ACMG Guidelines, 2015. Collection method: clinical testing. Allele origin: germline. Affected: yes. Observed: 5 variant alleles.

Fulgent Genetics
Classification: Likely pathogenic for Cataract 41; Type 2 diabetes mellitus; Wolfram syndrome 1; Autosomal dominant nonsyndromic hearing loss 6; Wolfram-like syndrome. Last evaluated: 2024-06-03. Review status: criteria provided, single submitter. Criteria: ACMG Guidelines, 2015. Collection method: clinical testing. Allele origin: germline.

Department of Pathology and Laboratory Medicine, Sinai Health System
Classification: Likely pathogenic for Cataract 41; Type 2 diabetes mellitus; Wolfram syndrome 1; Autosomal dominant nonsyndromic hearing loss 6; Wolfram-like syndrome. Last evaluated: 2023-06-14. Review status: criteria provided, single submitter. Criteria: ACMG Guidelines, 2015. Collection method: research. Allele origin: germline.

New York Genome Center
Classification: Pathogenic for Wolfram syndrome 1. Last evaluated: 2022-10-25. Review status: criteria provided, single submitter. Criteria: NYGC Assertion Criteria 2020. Collection method: clinical testing. Allele origin: germline. Observed: 1 heterozygote.
Comment: The c.1672C>T variant identified in WFS1 has been reported in homozygous as well as compound heterozygous states in at least 20 individuals with late-onset Wolfram syndrome [PMID: 17568405, 21446023, 22226368, 24890733, 30014265, 30957632, 33763535], and it has been deposited in ClinVar [ClinVarID:198835]. The c.1672C>T is observed in 218 alleles (~0.05% minor allele frequency (MAF) with 1 homozygote) in population databases (gnomAD v2.1.1 and v3.1.2), with having >1% MAF in individuals of Ashkenazi Jewish ancestry suggesting it might be a founder variant in that population. Of note, those population databases include individuals with late onset disorders like diabetes mellitus. The c.1672C>T variant is located in exon 8 of this 8-exon gene and predicted to replace an evolutionarily conserved arginine aminoacid with cysteine at position 558 (p.(Arg558Cys)) in the cytoplasmic linker region connecting transmembrane domains VI and VII of the encoded protein [see Figure 1 in PMID:20301750]. In silico predictions are moderately in favor of damaging effect for p.(Arg558Cys) [CADD v1.6 = 25.5,REVEL = 0.816]; however, there are no functional studies to support or refute these predictions. Another variant affecting the same amino acid residue(c.1673G>A:p.(Arg558His)) has also been reported in the literature [PMID: 12754709, 21446023, 24890733, 31567480] and ClinVar [ClinVar ID: 427051] in individuals with late-onset Wolfram syndrome. Based on available evidence the c.1672C>T p.(Arg558Cys) variant identified in WFS1 is classified as Pathogenic for autosomal recessive late-onset Wolfram syndrome.

GeneDx
Classification: Pathogenic. Last evaluated: 2022-07-26. Review status: criteria provided, single submitter. Criteria: GeneDx Variant Classification Process June 2021. Collection method: clinical testing. Allele origin: germline. Affected: yes.
Comment: Observed in apparent homozygous state in multiple patients with early-onset diabetes with or without other features of Wolfram syndrome, supporting the conclusion that p.(R558C) causes a mild form of Wolfram syndrome, with later onset of diabetes (17.8 +/- 8.3 years) and absence of optic atrophy in most homozygous individuals of Ashkenazi Jewish ancestry (Bansal et al., 2018); Observed in heterozygous state in an individual with ataxia and in an individual with familial schizophrenia (Fogel et al., 2014; Torres et al., 2001), however it is unclear whether the variant contributed to these individuals' phenotypes; In silico analysis, which includes protein predictors and evolutionary conservation, supports a deleterious effect; This variant is associated with the following publications: (PMID: 25133958, 21446023, 28432734, 24890733, 31264968, 27395765, 26435059, 17568405, 30245029, 22226368, 30957632, 12754709, 15277431, 19344068, 32518033, 32335055, 33046911, 34556497, 31980526, 33763535, 11244483, 30014265, 34746052, 35018440, 35206658, Kitamura2021[preprint], 33538814, 35602877, 29207974)

Institute of Human Genetics, Univ. Regensburg, Univ. Regensburg
Classification: Likely pathogenic for Optic atrophy. Last evaluated: 2022-01-01. Review status: criteria provided, single submitter. Criteria: ACMG Guidelines, 2015. Collection method: clinical testing. Allele origin: germline. Affected: yes.

Institute of Human Genetics, Univ. Regensburg, Univ. Regensburg
Classification: Likely pathogenic for Retinal dystrophy. Last evaluated: 2022-01-01. Review status: criteria provided, single submitter. Criteria: ACMG Guidelines, 2015. Collection method: clinical testing. Allele origin: germline. Affected: yes.

Illumina Laboratory Services, Illumina
Classification: Pathogenic for WFS1-Related Spectrum Disorders. Last evaluated: 2018-10-10. Review status: criteria provided, single submitter. Criteria: ICSL Variant Classification Criteria 09 May 2019. Collection method: clinical testing. Allele origin: germline.
Comment: The WFS1 c.1672C>T (p.Arg558Cys) missense variant has been reported in at least seven studies and is found in a total of 15 individuals with Wolfram syndrome, including in a homozygous state in at least ten individuals, in a compound heterozygous state in two, and in a heterozygous state in three individuals (Cano et al. 2007; Ganie et al. 2009; Chaussenot et al. 2011; Lieber et al. 2012; Chaussenot et al. 2015; Grenier et al. 2016; Bansal et al. 2018). The variant was also reported in a heterozygous state in one individual with schizophrenia (Torres et al. 2001) and in another individual with cerebellar ataxia (Fogel et al. 2014). The p.Arg558Cys is identified with a very mild phenotype that authors indicate may be difficult to diagnose clinically (Bansal et al. 2018). The p.Arg558Cys variant was found in 58 alleles from 2589 control sample and is reported at a frequency of 0.00084 in the European (non-Finnish) population of the Exome Aggregation Consortium and 0.013790 in the Ashkenazi Jewish population of the Genome Aggregation Database. Based on the evidence, the p.Arg558Cys variant is classified as pathogenic for WFS1-related spectrum disorders. This variant was observed by ICSL as part of a predisposition screen in an ostensibly healthy population.

Genetic Services Laboratory, University of Chicago
Classification: Likely pathogenic for Wolfram syndrome. Last evaluated: 2016-05-11. Review status: criteria provided, single submitter. Criteria: ACMG Guidelines, 2015. Collection method: clinical testing. Allele origin: germline. Affected: yes.

Eurofins Ntd Llc (ga)
Classification: Likely pathogenic. Last evaluated: 2015-01-29. Review status: criteria provided, single submitter. Criteria: EGL Classification Definitions 2015. Collection method: clinical testing. Allele origin: germline. Observed: 1 variant allele, 1 homozygote.

Molecular Endocrinology Laboratory, Christian Medical College
Classification: Likely pathogenic for Wolfram syndrome 1. Review status: criteria provided, single submitter. Criteria: ACMG Guidelines, 2015. Collection method: clinical testing. Allele origin: germline. Affected: yes.